The following is an entry in ClinVar:

NM_014283.5(SUCO):c.1669A>T (p.Thr557Ser)

Gene: SUCO (SUN domain containing ossification factor; plus strand). Cytogenetic location: 1q24.3.
Variant type: single nucleotide variant.
Coding change: c.1669A>T on transcript NM_014283.5 (MANE Select); coding-DNA position 1669, A replaced by T.
Protein change: p.Thr557Ser; replaces threonine 557 with serine.
Molecular consequence: missense variant. On other transcripts: 5 prime UTR variant (1).
Genome position (GRCh38, 1-based): chr1:172,588,770, A>T. VCF-style: chr1-172588770-A-T. GRCh37 (hg19) VCF-style: chr1-172557910-A-T.
Other names: c.1558A>T, p.Thr520Ser (NM_001282750.2); c.-21A>T (NM_001282751.2); c.2122A>T, p.Thr708Ser (NM_016227.4); short protein forms T557S, T708S, T520S.
Identifiers: ClinVar variation 3802864 (VCV003802864.2).

ClinVar aggregate classification (germline): Uncertain significance. Review status: criteria provided, multiple submitters, no conflicts (2 of 4 stars). 2 submissions from 2 submitters: Uncertain significance (2). Last evaluated 2025-08-20.

gnomAD v4.1: 8 of 1,496,452 alleles (0.00053%); highest among the groups gnomAD compares: African/African-American, 0.011%; no homozygotes.

Submissions (2):

Labcorp Genetics (formerly Invitae), Labcorp
Classification: Uncertain significance. Last evaluated: 2025-08-20. Review status: criteria provided, single submitter. Criteria: Invitae Variant Classification Sherloc (09022015). Collection method: clinical testing. Allele origin: germline.
Comment: This sequence change replaces threonine, which is neutral and polar, with serine, which is neutral and polar, at codon 557 of the SUCO protein (p.Thr557Ser). The frequency data for this variant in the population databases is considered unreliable, as metrics indicate poor data quality at this position in the gnomAD database. This variant has not been reported in the literature in individuals affected with SUCO-related conditions. ClinVar contains an entry for this variant (Variation ID: 3802864). An algorithm developed to predict the effect of missense changes on protein structure and function outputs the following: PolyPhen-2: "Benign". The serine amino acid residue is found in multiple mammalian species, which suggests that this missense change does not adversely affect protein function. In summary, the available evidence is currently insufficient to determine the role of this variant in disease. Therefore, it has been classified as a Variant of Uncertain Significance.

Ambry Genetics
Classification: Uncertain significance. Last evaluated: 2025-02-07. Review status: criteria provided, single submitter. Criteria: Ambry Variant Classification Scheme 2023. Collection method: clinical testing. Allele origin: germline.